The following is an entry in ClinVar:

ClinVar aggregate classification (germline): Uncertain significance. Review status: criteria provided, multiple submitters, no conflicts (2 of 4 stars). 2 submissions from 2 submitters: Uncertain significance (2). Last evaluated 2026-06-26.

Conditions:
VPS13B-related disorder. Also called: VPS13B-related condition.

gnomAD v4.1: 9 of 1,613,560 alleles (0.00056%); highest among the groups gnomAD compares: Non-Finnish European, 0.00068%; no homozygotes.

Submissions (2):

PreventionGenetics, part of Exact Sciences
Classification: Uncertain significance for VPS13B-related condition. Last evaluated: 2026-06-26. Review status: criteria provided, single submitter. Criteria: ACMG Guidelines, 2015. Collection method: clinical testing. Allele origin: germline.
Comment: The VPS13B c.1595G>A variant is predicted to result in the amino acid substitution p.Arg532Gln. To our knowledge, this variant has not been reported in the literature or in a large population database, indicating this variant is rare. At this time, the clinical significance of this variant is uncertain due to the absence of conclusive functional and genetic evidence.

Blueprint Genetics
Classification: Uncertain significance. Last evaluated: 2024-10-14. Review status: criteria provided, single submitter. Criteria: ACMG Guidelines, 2015. Collection method: clinical testing. Allele origin: germline.

NM_152564.5(VPS13B):c.1595G>A (p.Arg532Gln)

Gene: VPS13B (vacuolar protein sorting 13 homolog B; plus strand). Cytogenetic location: 8q22.2.
Variant type: single nucleotide variant.
Coding change: c.1595G>A on transcript NM_152564.5 (MANE Select); coding-DNA position 1595, G replaced by A.
Protein change: p.Arg532Gln; replaces arginine 532 with glutamine.
Molecular consequence: missense variant.
Genome position (GRCh38, 1-based): chr8:99,136,696, G>A. VCF-style: chr8-99136696-G-A. GRCh37 (hg19) VCF-style: chr8-100148924-G-A.
Other names: c.1595G>A, p.Arg532Gln (NM_015243.3, NM_017890.5); short protein forms R532Q.
Identifiers: ClinVar variation 4901175 (VCV004901175.2).
Genomic context (GRCh38, chr8:99,136,696, plus strand): 5'-TTATTCTGTTTGCATTGCTTTGTTGGCAGGAGACATACACTGAGATAGCTGGAATGCAAC[G>A]GTTTGGGGCTTTTTATATGGATTACCTGTATACAATGGAGAACACTAGTGGCAAAGGTAT-3'
Protein context (NP_689777.3, residues 522-542): ETYTEIAGMQ[Arg532Gln]FGAFYMDYLY